The following is an entry in ClinVar:

ClinVar aggregate classification (germline): Uncertain significance (1 of 4 stars; one submission).

Conditions:
Glycogen storage disease, type II (IOPD). Also called: Pompe Disease; CARDIOMEGALIA GLYCOGENICA DIFFUSA; GLYCOGENOSIS, GENERALIZED, CARDIAC FORM; GSD II; POMPE DISEASE, INFANTILE-ONSET; GLYCOGEN STORAGE DISEASE II, INFANTILE-ONSET. Identifiers: Orphanet 365, MedGen C0017921, MONDO:0009290, OMIM 232300.

Submission:

Genomenon, Inc
Classification: Uncertain significance for Glycogen storage disease, type II. Last evaluated: 2026-07-01. Review status: criteria provided, single submitter. Criteria: Genomenon Sequence Variant Interpretation Standards - Updated. Collection method: curation. Allele origin: germline. Affected: no.
Comment: GAA p.Cys558Ser (c.1672T>A) is a missense variant that changes the amino acid at codon 558 from Cysteine to Serine. This variant has been reported in the published literature (PMID:22644586). At least one functional study has demonstrated a substantial alteration in protein function relative to the wild-type (PMID:22644586). It is absent or not present at a significant frequency in gnomAD. In silico models predict that this variant is possibly or probably damaging. In conclusion, we classify GAA p.Cys558Ser (c.1672T>A) as a variant of uncertain significance.

Literature cited by the submitters: PubMed 22644586.

NM_000152.5(GAA):c.1672T>A (p.Cys558Ser)

Gene: GAA (alpha glucosidase; plus strand). Cytogenetic location: 17q25.3.
Variant type: single nucleotide variant.
Coding change: c.1672T>A on transcript NM_000152.5 (MANE Select); coding-DNA position 1672, T replaced by A.
Protein change: p.Cys558Ser; replaces cysteine 558 with serine.
Molecular consequence: missense variant.
Genome position (GRCh38, 1-based): chr17:80,112,018, T>A. VCF-style: chr17-80112018-T-A. GRCh37 (hg19) VCF-style: chr17-78085817-T-A.
Other names: c.1672T>A, p.Cys558Ser (NM_001079803.3, NM_001079804.3, NM_001406741.1 and 1 more transcripts); short protein forms C558S.
Identifiers: ClinVar variation 4876461 (VCV004876461.1).
Genomic context (GRCh38, chr17:80,112,018, plus strand): 5'-GGAAACCAGCCCCCGCCTCTTCCAGGGGTGGTTGGGGGGACCCTCCAGGCGGCCACCATC[T>A]GTGCCTCCAGCCACCAGTTTCTCTCCACACACTACAACCTGCACAACCTCTACGGCCTGA-3'
Protein context (NP_000143.2, residues 548-568): VGGTLQAATI[Cys558Ser]ASSHQFLSTH